The following is an entry in ClinVar:

NM_001083124.1(SPATA31A3):c.870G>C (p.Ser290=)

Gene: SPATA31A3 (SPATA31 subfamily A member 3; minus strand). Cytogenetic location: 9q21.11.
Variant type: single nucleotide variant.
Coding change: c.870G>C on transcript NM_001083124.1 (MANE Select); coding-DNA position 870, G replaced by C.
Protein change: p.Ser290=; no amino-acid change (serine 290 retained).
Molecular consequence: synonymous variant.
Genome position (GRCh38, 1-based): chr9:66,989,628, C>G on the plus strand (G>C on the coding strand, the complement: SPATA31A3 is on the minus strand). VCF-style: chr9-66989628-C-G. GRCh37 (hg19) VCF-style: chr9-40703213-G-C.
Identifiers: ClinVar variation 3898237 (VCV003898237.7).

ClinVar aggregate classification (germline): Likely benign (1 of 4 stars; one submission).

Submission:

CeGaT Center for Human Genetics Tuebingen
Classification: Likely benign. Last evaluated: 2026-04-01. Review status: criteria provided, single submitter. Criteria: CeGaT Center For Human Genetics Tuebingen Variant Classification Criteria Version 2. Collection method: clinical testing. Allele origin: germline. Affected: yes. Observed: 5 variant alleles.
Comment: SPATA31A3: BP4, BP7